The following is an entry in ClinVar:

ClinVar aggregate classification (germline): Likely benign (0 of 4 stars; one submission).

Conditions:
ACACA-related disorder. Also called: ACACA-related condition.

Allele frequency attached by ClinVar (database versions not stated): TOPMed below 0.00001; ExAC 0.00002; gnomAD 0.00002; 1000 Genomes Project 30x 0.00016; 1000 Genomes Project 0.00020.
gnomAD v4.1: 10 of 1,614,214 alleles (0.00062%); highest among the groups gnomAD compares: East Asian, 0.0089%; no homozygotes.

Submission:

PreventionGenetics, part of Exact Sciences
Classification: Likely benign for ACACA-related condition. Last evaluated: 2019-08-08. Review status: no assertion criteria provided. Collection method: clinical testing. Allele origin: germline.
Comment: This variant is classified as likely benign based on ACMG/AMP sequence variant interpretation guidelines (Richards et al. 2015 PMID: 25741868, with internal and published modifications).

NM_198834.3(ACACA):c.5202G>A (p.Leu1734=)

Gene: ACACA (acetyl-CoA carboxylase alpha; minus strand). Cytogenetic location: 17q12.
Variant type: single nucleotide variant.
Coding change: c.5202G>A on transcript NM_198834.3 (MANE Select); coding-DNA position 5202, G replaced by A.
Protein change: p.Leu1734=; no amino-acid change (leucine 1734 retained).
Molecular consequence: synonymous variant.
Genome position (GRCh38, 1-based): chr17:37,161,928, C>T on the plus strand (G>A on the coding strand, the complement: ACACA is on the minus strand). VCF-style: chr17-37161928-C-T. GRCh37 (hg19) VCF-style: chr17-35518842-C-T.
Other names: c.5091G>A, p.Leu1697= (NM_198836.3, NM_198839.3); c.4917G>A, p.Leu1639= (NM_198837.2); c.4857G>A, p.Leu1619= (NM_198838.2).
Identifiers: ClinVar variation 3056885 (VCV003056885.2), dbSNP rs551534773, ClinGen allele CA8514918.